The following is an entry in ClinVar:

NM_000038.6(APC):c.4260C>A (p.Pro1420=)

Gene: APC (APC regulator of Wnt signaling pathway; plus strand). Cytogenetic location: 5q22.2.
Variant type: single nucleotide variant.
Coding change: c.4260C>A on transcript NM_000038.6 (MANE Select); coding-DNA position 4260, C replaced by A.
Protein change: p.Pro1420=; no amino-acid change (proline 1420 retained).
Molecular consequence: synonymous variant.
Genome position (GRCh38, 1-based): chr5:112,839,854, C>A. VCF-style: chr5-112839854-C-A. GRCh37 (hg19) VCF-style: chr5-112175551-C-A.
Other names: c.3882C>A, p.Pro1294= (NM_001354904.2); c.3780C>A, p.Pro1260= (NM_001354905.2); c.3411C>A, p.Pro1137= (NM_001354906.2); c.4260C>A, p.Pro1420= (NM_001127510.3, NM_001354895.2); c.4206C>A, p.Pro1402= (NM_001127511.3); c.4314C>A, p.Pro1438= (NM_001354896.2); c.4290C>A, p.Pro1430= (NM_001354897.2); c.4185C>A, p.Pro1395= (NM_001354898.2); and 5 more.
Identifiers: ClinVar variation 184586 (VCV000184586.21), dbSNP rs770579741, ClinGen allele CA009411.

ClinVar aggregate classification (germline): Benign/Likely benign. Review status: criteria provided, multiple submitters, no conflicts (2 of 4 stars). 6 submissions from 6 submitters: Benign (1); Likely benign (5). Last evaluated 2026-01-12.

Conditions:
Hereditary cancer-predisposing syndrome. Also called: Hereditary neoplastic syndrome; Neoplastic Syndromes, Hereditary; Tumor predisposition; Hereditary Cancer Syndrome. Identifiers: Orphanet 140162, MedGen C0027672, MeSH D009386, MONDO:0015356.
Classic or attenuated familial adenomatous polyposis. Identifiers: MedGen CN372698, MONDO:0021057.
Familial adenomatous polyposis 1 (FAP1). Also called: FAMILIAL ADENOMATOUS POLYPOSIS 1, ATTENUATED; POLYPOSIS, ADENOMATOUS INTESTINAL. Identifiers: MedGen C2713442, MONDO:0021056, OMIM 175100. Disease mechanism: loss of function.

Allele frequency attached by ClinVar (database versions not stated): gnomAD exomes below 0.00001 and 0.00001; ExAC 0.00001; TOPMed 0.00001.
gnomAD v4.1: 18 of 1,614,078 alleles (0.0011%); highest among the groups gnomAD compares: Non-Finnish European, 0.0014%; no homozygotes.

Submissions (6):

Labcorp Genetics (formerly Invitae), Labcorp
Classification: Likely benign for Familial adenomatous polyposis 1. Last evaluated: 2026-01-12. Review status: criteria provided, single submitter. Criteria: Invitae Variant Classification Sherloc (09022015). Collection method: clinical testing. Allele origin: germline.

Myriad Genetics, Inc.
Classification: Benign for Familial adenomatous polyposis 1. Last evaluated: 2024-03-26. Review status: criteria provided, single submitter. Criteria: Myriad Autosomal Dominant, Autosomal Recessive and X-Linked Classification Criteria (2023). Collection method: clinical testing. Allele origin: unknown.
Comment: This variant is considered benign. This variant is a silent/synonymous amino acid change and it is not expected to impact splicing.

All of Us Research Program, National Institutes of Health
Classification: Likely benign for Classic or attenuated familial adenomatous polyposis. Last evaluated: 2024-01-05. Review status: criteria provided, single submitter. Criteria: ACMG Guidelines, 2015. Collection method: clinical testing. Allele origin: germline. Inheritance: Autosomal dominant inheritance. Observed: 3 variant alleles, 3 heterozygotes.
Comment: This study involves interpretation of variants in research participants for the purpose of population health screening. Participant phenotype was not available at the time of variant classification. Additional details can be found in publication PMID: 35346344, PMCID: PMC8962531

Color Diagnostics, LLC DBA Color Health
Classification: Likely benign for Hereditary cancer-predisposing syndrome. Last evaluated: 2019-03-25. Review status: criteria provided, single submitter. Criteria: ACMG Guidelines, 2015. Collection method: clinical testing. Allele origin: germline.

Ambry Genetics
Classification: Likely benign for Hereditary cancer-predisposing syndrome. Last evaluated: 2018-06-12. Review status: criteria provided, single submitter. Criteria: Ambry Variant Classification Scheme 2023. Collection method: clinical testing. Allele origin: germline.

Quest Diagnostics Nichols Institute San Juan Capistrano
Classification: Likely benign. Last evaluated: 2017-01-27. Review status: criteria provided, single submitter. Criteria: Quest Diagnostics criteria. Collection method: clinical testing. Allele origin: germline.